The following is an entry in ClinVar:

NM_000142.5(FGFR3):c.911C>T (p.Pro304Leu)

Gene: FGFR3 (fibroblast growth factor receptor 3; plus strand). Cytogenetic location: 4p16.3.
Variant type: single nucleotide variant.
Coding change: c.911C>T on transcript NM_000142.5 (MANE Select); coding-DNA position 911, C replaced by T.
Protein change: p.Pro304Leu; replaces proline 304 with leucine.
Molecular consequence: missense variant. On other transcripts: non-coding transcript variant (1).
Genome position (GRCh38, 1-based): chr4:1,802,006, C>T. VCF-style: chr4-1802006-C-T. GRCh37 (hg19) VCF-style: chr4-1803733-C-T.
Other names: c.911C>T, p.Pro304Leu (NM_001163213.2, NM_001354809.2, NM_001354810.2 and 1 more transcripts); short protein forms P304L.
Identifiers: ClinVar variation 5003017 (VCV005003017.1).

ClinVar aggregate classification (germline): Uncertain significance (1 of 4 stars; one submission).

Conditions:
Thanatophoric dysplasia, type 2 (TD2). Also called: THANATOPHORIC DYSPLASIA WITH KLEEBLATTSCHAEDEL; THANATOPHORIC DYSPLASIA WITH STRAIGHT FEMURS AND CLOVERLEAF SKULL; CLOVERLEAF SKULL WITH THANATOPHORIC DWARFISM; Thanatophoric Dysplasia Type 2 (TD Type 2). Identifiers: Orphanet 2655, Orphanet 93274, MedGen C1300257, MONDO:0008547, OMIM 187601. Disease mechanism: gain of function.

gnomAD v4.1: 1 of 1,612,284 alleles (0.000062%); highest among the groups gnomAD compares: Non-Finnish European, 0.000085%; no homozygotes.

Submission:

OLLIN Analises Genomicas, OLLIN
Classification: Uncertain significance for Thanatophoric dysplasia, type 2. Last evaluated: 2026-08-06. Review status: criteria provided, single submitter. Criteria: ACMG Guidelines 2015 PMID 25741868. Collection method: clinical testing. Allele origin: germline. Inheritance: Autosomal dominant inheritance.
Comment: This missense variant, located in exon 7 (of 18), has been observed in gnomAD with an allele frequency of 0.000062%, but has not been reported in ClinVar or identified in the literature. In silico analysis predicts that this variant has a deleterious effect. According to the currently available evidence, this variant has been classified as uncertain significance (PP3, BS2).